The following is an entry in ClinVar:

NM_020921.4(NIN):c.5043T>A (p.Asp1681Glu)

Gene: NIN (ninein; minus strand). Cytogenetic location: 14q22.1.
Variant type: single nucleotide variant.
Coding change: c.5043T>A on transcript NM_020921.4 (MANE Select); coding-DNA position 5043, T replaced by A.
Protein change: p.Asp1681Glu; replaces aspartic acid 1681 with glutamic acid.
Molecular consequence: missense variant.
Genome position (GRCh38, 1-based): chr14:50,748,013, A>T on the plus strand (T>A on the coding strand, the complement: NIN is on the minus strand). VCF-style: chr14-50748013-A-T. GRCh37 (hg19) VCF-style: chr14-51214731-A-T.
Other names: c.2904T>A, p.Asp968Glu (NM_016350.5); c.5043T>A, p.Asp1681Glu (NM_182944.3, NM_182946.2); short protein forms D968E, D1681E.
Identifiers: ClinVar variation 2761592 (VCV002761592.3), dbSNP rs2505559790, ClinGen allele CA389684427.

ClinVar aggregate classification (germline): Uncertain significance (1 of 4 stars; one submission).

Submission:

Labcorp Genetics (formerly Invitae), Labcorp
Classification: Uncertain significance. Last evaluated: 2023-09-19. Review status: criteria provided, single submitter. Criteria: Invitae Variant Classification Sherloc (09022015). Collection method: clinical testing. Allele origin: germline.
Comment: This sequence change replaces aspartic acid, which is acidic and polar, with glutamic acid, which is acidic and polar, at codon 1681 of the NIN protein (p.Asp1681Glu). This variant is not present in population databases (gnomAD no frequency). This variant has not been reported in the literature in individuals affected with NIN-related conditions. Algorithms developed to predict the effect of missense changes on protein structure and function output the following: SIFT: "Not Available"; PolyPhen-2: "Benign"; Align-GVGD: "Not Available". The glutamic acid amino acid residue is found in multiple mammalian species, which suggests that this missense change does not adversely affect protein function. In summary, the available evidence is currently insufficient to determine the role of this variant in disease. Therefore, it has been classified as a Variant of Uncertain Significance.